The following is an entry in ClinVar:

NM_000548.5(TSC2):c.3397+1G>A

Gene: TSC2 (TSC complex subunit 2; plus strand). Cytogenetic location: 16p13.3.
Variant type: single nucleotide variant.
Coding change: c.3397+1G>A on transcript NM_000548.5 (MANE Select); the canonical splice donor site of the intron after coding-DNA position 3397, G replaced by A.
Molecular consequence: splice donor variant.
Genome position (GRCh38, 1-based): chr16:2,079,670, G>A. VCF-style: chr16-2079670-G-A. GRCh37 (hg19) VCF-style: chr16-2129671-G-A.
Other names: c.1924+1G>A (NM_001406693.1, NM_001406690.1, NM_001406692.1 and 1 more transcripts); c.3358+1G>A (NM_001406667.1); c.3355+1G>A (NM_001406668.1); c.2797+1G>A (NM_001406680.1, NM_001406683.1, NM_001406682.1); c.2665+1G>A (NM_001406687.1, NM_001318831.2, NM_001406688.1); c.2053+1G>A (NM_001406689.1); c.1921+1G>A (NM_001406691.1, NM_001406697.1, NM_001406695.1 and 1 more transcripts); c.1663+1G>A (NM_001406698.1); and 18 more.
Identifiers: ClinVar variation 49256 (VCV000049256.16), dbSNP rs137854208, ClinGen allele CA019073.

ClinVar aggregate classification (germline): Pathogenic. Review status: criteria provided, multiple submitters, no conflicts (2 of 4 stars). 5 submissions from 5 submitters: Pathogenic (4). 1 of the submissions does not count toward it. Last evaluated 2025-01-16.

Conditions:
Tuberous sclerosis syndrome (TSC). Also called: Tuberous Sclerosis Complex; Tuberous sclerosis. Identifiers: Orphanet 805, MedGen C0041341, MONDO:0001734.
Tuberous sclerosis 2 (TSC2). Identifiers: Orphanet 805, MedGen C1860707, MONDO:0013199, OMIM 613254.
Lymphangiomyomatosis (LAM). Also called: Lymphangioleiomyomatosis; Lymphangioleiomyomatosis, somatic. Identifiers: Orphanet 538, MedGen C0751674, MONDO:0011705, OMIM 606690.
Isolated focal cortical dysplasia type II (FCORD2). Also called: CORTICAL DYSPLASIA OF TAYLOR; Focal cortical dysplasia type II. Identifiers: Orphanet 268994, MedGen C1846385, MONDO:0011818, OMIM 607341, HP:0032051.

Submissions (5):

GeneDx
Classification: Pathogenic. Last evaluated: 2025-01-16. Review status: criteria provided, single submitter. Criteria: GeneDx Variant Classification Process June 2021. Collection method: clinical testing. Allele origin: germline. Affected: yes.
Comment: Canonical splice site variant predicted to result in a null allele in a gene for which loss of function is a known mechanism of disease; Not observed at significant frequency in large population cohorts (gnomAD); This variant is associated with the following publications: (PMID: 32211034, 33278787, 27406250)

Revvity Omics, Revvity
Classification: Pathogenic for Tuberous sclerosis 2. Last evaluated: 2022-04-29. Review status: criteria provided, single submitter. Criteria: ACMG Guidelines, 2015. Collection method: clinical testing. Allele origin: germline.

Fulgent Genetics
Classification: Pathogenic for Lymphangiomyomatosis; Isolated focal cortical dysplasia type II; Tuberous sclerosis 2. Last evaluated: 2021-12-16. Review status: criteria provided, single submitter. Criteria: ACMG Guidelines, 2015. Collection method: clinical testing. Allele origin: unknown.

Labcorp Genetics (formerly Invitae), Labcorp
Classification: Pathogenic for Tuberous sclerosis 2. Last evaluated: 2020-12-01. Review status: criteria provided, single submitter. Criteria: Invitae Variant Classification Sherloc (09022015). Collection method: clinical testing. Allele origin: germline.
Comment: For these reasons, this variant has been classified as Pathogenic. Donor and acceptor splice site variants typically lead to a loss of protein function (PMID: 16199547), and loss-of-function variants in TSC2 are known to be pathogenic (PMID: 10205261, 17304050). Algorithms developed to predict the effect of sequence changes on RNA splicing suggest that this variant may disrupt the consensus splice site, but this prediction has not been confirmed by published transcriptional studies. Disruption of this splice site has been observed in individuals affected with clinical features of tuberous sclerosis complex (PMID: 27406250, 10533067, Invitae). ClinVar contains an entry for this variant (Variation ID: 49256). This variant is not present in population databases (ExAC no frequency). This sequence change affects a donor splice site in intron 29 of the TSC2 gene. It is expected to disrupt RNA splicing and likely results in an absent or disrupted protein product.

Tuberous sclerosis database (TSC2)
No classification provided. Condition: TSC. Review status: no classification provided. Criteria: Tuberous Sclerosis Database Assertion Criteria 2015. Collection method: curation. Allele origin: germline. Affected: yes. Not counted in ClinVar's aggregate classification.

Literature cited by the submitters: PubMed 16199547 (cited by Labcorp Genetics (formerly Invitae), Labcorp); PubMed 10205261 (cited by Labcorp Genetics (formerly Invitae), Labcorp); PubMed 17304050 (cited by Labcorp Genetics (formerly Invitae), Labcorp); PubMed 27406250 (cited by Labcorp Genetics (formerly Invitae), Labcorp); PubMed 10533067 (cited by Labcorp Genetics (formerly Invitae), Labcorp).